The following is an entry in ClinVar:

ClinVar aggregate classification (germline): Pathogenic/Likely pathogenic. Review status: criteria provided, multiple submitters, no conflicts (2 of 4 stars). 7 submissions from 7 submitters: Pathogenic (2); Likely pathogenic (4). 1 of the submissions does not count toward it. Last evaluated 2025-04-30.

Conditions:
Glycogen storage disease type III (GSD3). Also called: Cori disease; FORBES DISEASE. Identifiers: Orphanet 366, MedGen C0017922, MONDO:0009291, OMIM 232400.

Submissions (7):

Natera, Inc.
Classification: Likely pathogenic for Glycogen storage disease type III. Last evaluated: 2025-04-30. Review status: criteria provided, single submitter. Criteria: Natera Variant Classification Schema (03/2026). Collection method: clinical testing. Allele origin: germline.
Comment: The c.535_538delTTAG variant in AGL is a frameshift variant predicted to shift the reading frame beginning at codon 179 and leads to a stop codon 2 codons downstream. This variant is expected to result in nonsense mediated decay, truncation, or a dysfunctional protein product. This variant is rare in the general population with a frequency below the threshold expected for the associated phenotype(s). Given the available evidence, this variant is classified as Likely Pathogenic.

Labcorp Genetics (formerly Invitae), Labcorp
Classification: Pathogenic for Glycogen storage disease type III. Last evaluated: 2024-02-16. Review status: criteria provided, single submitter. Criteria: Invitae Variant Classification Sherloc (09022015). Collection method: clinical testing. Allele origin: germline.
Comment: This sequence change creates a premature translational stop signal (p.Leu179Asnfs*2) in the AGL gene. It is expected to result in an absent or disrupted protein product. Loss-of-function variants in AGL are known to be pathogenic (PMID: 19299494). This variant is present in population databases (rs780425326, gnomAD 0.002%). This variant has not been reported in the literature in individuals affected with AGL-related conditions. ClinVar contains an entry for this variant (Variation ID: 197686). For these reasons, this variant has been classified as Pathogenic.

Baylor Genetics
Classification: Likely pathogenic for Glycogen storage disease type III. Last evaluated: 2024-02-13. Review status: criteria provided, single submitter. Criteria: ACMG Guidelines, 2015. Collection method: clinical testing. Allele origin: unknown.

Genome-Nilou Lab
Classification: Likely pathogenic for Glycogen storage disease type III. Last evaluated: 2023-04-11. Review status: criteria provided, single submitter. Criteria: ACMG Guidelines, 2015. Collection method: clinical testing. Allele origin: germline. Affected: no.

Women's Health and Genetics/Laboratory Corporation of America, LabCorp
Classification: Likely pathogenic for Glycogen storage disease type III. Last evaluated: 2022-11-09. Review status: criteria provided, single submitter. Criteria: LabCorp Variant Classification Summary - May 2015. Collection method: clinical testing. Allele origin: germline.
Comment: Variant summary: AGL c.535_538delTTAG (p.Leu179AsnfsX2) results in a premature termination codon, predicted to cause a truncation of the encoded protein or absence of the protein due to nonsense mediated decay, which are commonly known mechanisms for disease. Truncations downstream of this position have been classified as pathogenic by our laboratory. The variant allele was found at a frequency of 8e-06 in 251406 control chromosomes. To our knowledge, no occurrence of c.535_538delTTAG in individuals affected with Glycogen Storage Disease Type III and no experimental evidence demonstrating its impact on protein function have been reported. Two clinical diagnostic laboratories have submitted clinical-significance assessments for this variant to ClinVar after 2014 without evidence for independent evaluation. Both laboratories classified the variant as pathogenic. Based on the evidence outlined above, the variant was classified as likely pathogenic.

Eurofins Ntd Llc (ga)
Classification: Pathogenic. Last evaluated: 2015-03-12. Review status: criteria provided, single submitter. Criteria: EGL Classification Definitions 2015. Collection method: clinical testing. Allele origin: germline. Observed: 1 variant allele, 1 heterozygote.

Counsyl
Classification: Likely pathogenic for Glycogen storage disease type III. Last evaluated: 2014-08-16. Review status: no assertion criteria provided. Collection method: clinical testing. Allele origin: unknown. Not counted in ClinVar's aggregate classification.

Literature cited by the submitters: PubMed 19299494 (cited by Labcorp Genetics (formerly Invitae), Labcorp).

NM_000642.3(AGL):c.535_538del (p.Leu179fs)

Gene: AGL (amylo-alpha-1,6-glucosidase and 4-alpha-glucanotransferase; plus strand). Cytogenetic location: 1p21.2.
Variant type: Deletion.
Coding change: c.535_538del on transcript NM_000642.3 (MANE Select); coding-DNA positions 535 to 538, 4 bases deleted (TTAG; older notation c.535_538delTTAG).
Protein change: p.Leu179fs; shifts the reading frame from leucine 179.
Molecular consequence: frameshift variant.
Genome position (GRCh38, 1-based): chr1:99,864,460-99,864,463, TTAG deleted; deleting any 4 consecutive bases within chr1:99,864,458-99,864,463 gives the same sequence; the c. name uses the placement nearest the transcript's 3' end. VCF-style (leftmost placement, unchanged base first): chr1-99864457-CAGTT-C. GRCh37 (hg19) VCF-style: chr1-100330013-CAGTT-C.
Other names: c.535_538del (NM_000642.2); c.535_538delTTAG, p.Leu179Asnfs (NM_000028.3, NM_000643.3, NM_000644.3 and 3 more transcripts); c.487_490delTTAG, p.Leu163Asnfs (NM_000646.3); c.157_160delTTAG, p.Leu53Asnfs (NM_001425332.1); short protein forms L163fs, L179fs.
Identifiers: ClinVar variation 197686 (VCV000197686.17), dbSNP rs794727706, ClinGen allele CA275303.